The following is an entry in ClinVar:

ClinVar aggregate classification (germline): Likely benign (1 of 4 stars; one submission).

Allele frequency attached by ClinVar (database versions not stated): TOPMed 0.01648; 1000 Genomes Project 30x 0.03264; 1000 Genomes Project 0.03415.

Submission:

GeneDx
Classification: Likely benign. Last evaluated: 2018-06-18. Review status: criteria provided, single submitter. Criteria: GeneDx Variant Classification (06012015). Collection method: clinical testing. Allele origin: germline. Affected: yes.
Comment: This variant is considered likely benign or benign based on one or more of the following criteria: it is a conservative change, it occurs at a poorly conserved position in the protein, it is predicted to be benign by multiple in silico algorithms, and/or has population frequency not consistent with disease.

NM_001256545.2(MEGF10):c.2980+249G>C

Gene: MEGF10 (multiple EGF like domains 10; plus strand). Cytogenetic location: 5q23.2.
Variant type: single nucleotide variant.
Coding change: c.2980+249G>C on transcript NM_001256545.2 (MANE Select); 249 bases into the intron after coding-DNA position 2980, G replaced by C.
Molecular consequence: intron variant.
Genome position (GRCh38, 1-based): chr5:127,449,471, G>C. VCF-style: chr5-127449471-G-C. GRCh37 (hg19) VCF-style: chr5-126785163-G-C.
Other names: c.2980+249G>C (NM_032446.3).
Identifiers: ClinVar variation 672416 (VCV000672416.1), dbSNP rs41298316, ClinGen allele CA126969647.